The following is an entry in ClinVar:

ClinVar aggregate classification (germline): Benign. Review status: criteria provided, multiple submitters, no conflicts (2 of 4 stars). 2 submissions from 2 submitters: Benign (2). Last evaluated 2020-07-14.

Allele frequency attached by ClinVar (database versions not stated): ESP Exome Variant Server 0.57775; gnomAD 0.59310 and 0.59940; TOPMed 0.60141; 1000 Genomes Project 30x 0.61384; 1000 Genomes Project 0.61921; gnomAD exomes 0.63248 and 0.65613; ExAC 0.64478.
gnomAD v4.1: 1,015,147 of 1,613,750 alleles (63%); highest among the groups gnomAD compares: East Asian, 85%; 322,495 homozygotes.

Submissions (2):

GeneDx
Classification: Benign. Last evaluated: 2020-07-14. Review status: criteria provided, single submitter. Criteria: GeneDx Variant Classification Process June 2021. Collection method: clinical testing. Allele origin: germline. Affected: yes.
Comment: This variant is associated with the following publications: (PMID: 24315717)

Breakthrough Genomics
Classification: Benign. Review status: criteria provided, single submitter. Criteria: ACMG Guidelines, 2015. Collection method: not provided. Allele origin: germline. Inheritance: Unknown mechanism. Affected: yes.

NM_194250.2(ZNF804A):c.782A>T (p.Gln261Leu)

Gene: ZNF804A (zinc finger protein 804A; plus strand). Cytogenetic location: 2q32.1.
Variant type: single nucleotide variant.
Coding change: c.782A>T on transcript NM_194250.2 (MANE Select); coding-DNA position 782, A replaced by T.
Protein change: p.Gln261Leu; replaces glutamine 261 with leucine.
Molecular consequence: missense variant.
Genome position (GRCh38, 1-based): chr2:184,936,178, A>T. VCF-style: chr2-184936178-A-T. GRCh37 (hg19) VCF-style: chr2-185800905-A-T.
Other names: short protein forms Q261L.
Identifiers: ClinVar variation 1221151 (VCV001221151.4), dbSNP rs12476147, ClinGen allele CA2015844.